The following is an entry in ClinVar:

ClinVar aggregate classification (germline): Uncertain significance (1 of 4 stars; one submission).

Submission:

GeneDx
Classification: Uncertain significance. Last evaluated: 2022-08-29. Review status: criteria provided, single submitter. Criteria: GeneDx Variant Classification Process June 2021. Collection method: clinical testing. Allele origin: germline. Affected: yes.
Comment: Not observed at significant frequency in large population cohorts (gnomAD); In silico analysis supports that this missense variant does not alter protein structure/function; Has not been previously published as pathogenic or benign to our knowledge

NM_001378454.1(ALMS1):c.12478C>A (p.Leu4160Ile)

Gene: ALMS1 (ALMS1 centrosome and basal body associated protein; plus strand). Cytogenetic location: 2p13.1.
Variant type: single nucleotide variant.
Coding change: c.12478C>A on transcript NM_001378454.1 (MANE Select); coding-DNA position 12478, C replaced by A.
Protein change: p.Leu4160Ile; replaces leucine 4160 with isoleucine.
Molecular consequence: missense variant.
Genome position (GRCh38, 1-based): chr2:73,609,583, C>A. VCF-style: chr2-73609583-C-A. GRCh37 (hg19) VCF-style: chr2-73836710-C-A.
Other names: c.12481C>A, p.Leu4161Ile (NM_015120.4); short protein forms L4160I, L4161I.
Identifiers: ClinVar variation 2442535 (VCV002442535.1), dbSNP rs1675895846, ClinGen allele CA347276441.